The following is an entry in ClinVar:

NM_016316.4(REV1):c.351-3232_513dup

Gene: REV1 (REV1 DNA directed polymerase; minus strand). Cytogenetic location: 2q11.2.
Variant type: Duplication.
Coding change: c.351-3232_513dup on transcript NM_016316.4 (MANE Select); 3232 bases into the intron before coding-DNA position 351 through coding-DNA position 513, 6,401 bases duplicated.
Molecular consequence: splice acceptor variant, splice donor variant.
Genome position (GRCh38, 1-based): chr2:99,439,301-99,445,701, 6,401 bases duplicated. GRCh37 (hg19): chr2:100,055,764-100,062,164.
Other names: c.351-3232_513dup (NM_001037872.3, NM_001321454.2); c.141-3232_303dup (NM_001321455.2); c.-1244-3232_-1082dup (NM_001321458.2); c.-1419-3232_-1257dup (NM_001321459.2); c.-1416-3232_-1254dup (NM_001321460.2).
Identifiers: ClinVar variation 156801 (VCV000156801.2).

ClinVar aggregate classification (germline): not provided. Review status: no classification provided (0 of 4 stars). 2 submissions from 1 submitter: not provided (2).

Conditions:
Large for gestational age. Identifiers: MedGen C1848395, HP:0001520.
Preeclampsia. Identifiers: Orphanet 275555, MedGen C0032914, MONDO:0005081, HP:0100602.

Submissions (2):

Institute of Molecular and Cell Biology, University of Tartu
No classification provided. Condition: Large for gestational age. Review status: no classification provided. Collection method: case-control. Allele origin: unknown. Affected: yes. Study: Kasak2014.
Comment: The study aimed to determine the contribution of copy number variants in the genetic etiology of normal and complicated pregnancies. The samples represented (i) maternal blood DNA drawn from healthy pregnant women during 1st or 2nd trimester and (ii) maternal and paternal blood DNA drawn at term pregnancy cases representing normal and complicated gestations (severe preeclampsia, PE; gestational diabetes, GD; small-for-gestational age newborn, SGA; large-for-gestational age newborn, LGA). We performed CNV calling based on genome-wide genotyping dataset (Illumina HumanOmniExpress-24-v1 BeadChip) by applying three algorithms, QuantiSNP, GADA (Genome Alteration Detection Algorithm) and CNstream in parallel. The acquired CNV calls were merged with HD-CNV (Hotspot Detector for Copy Number Variants) program and only the CNVs predicted by at least two programs, were considered in subsequent analysis.

Institute of Molecular and Cell Biology, University of Tartu
No classification provided. Condition: Preeclampsia. Review status: no classification provided. Collection method: case-control. Allele origin: unknown. Affected: yes. Study: Kasak2014.
Comment: the same text as in the submission from Institute of Molecular and Cell Biology, University of Tartu above.

Literature cited by the submitters: PubMed 25666259.